The following is an entry in ClinVar:

NM_003206.4(TCF21):c.450+10C>T

Gene: TCF21 (transcription factor 21; plus strand). Cytogenetic location: 6q23.2.
Variant type: single nucleotide variant.
Coding change: c.450+10C>T on transcript NM_003206.4 (MANE Select); 10 bases into the intron after coding-DNA position 450, C replaced by T.
Molecular consequence: intron variant.
Genome position (GRCh38, 1-based): chr6:133,889,857, C>T. VCF-style: chr6-133889857-C-T. GRCh37 (hg19) VCF-style: chr6-134210995-C-T.
Other names: c.450+10C>T (NM_198392.3).
Identifiers: ClinVar variation 3036907 (VCV003036907.2), dbSNP rs371711846, ClinGen allele CA4008631.

ClinVar aggregate classification (germline): Likely benign (0 of 4 stars; one submission).

Conditions:
TCF21-related disorder. Also called: TCF21-related condition.

Allele frequency attached by ClinVar (database versions not stated): ExAC 0.00003; gnomAD 0.00005; ESP Exome Variant Server 0.00008; gnomAD exomes 0.00008; TOPMed 0.00008.
gnomAD v4.1: 125 of 1,612,466 alleles (0.0078%); highest among the groups gnomAD compares: Non-Finnish European, 0.01%; no homozygotes.

Submission:

PreventionGenetics, part of Exact Sciences
Classification: Likely benign for TCF21-related condition. Last evaluated: 2020-10-19. Review status: no assertion criteria provided. Collection method: clinical testing. Allele origin: germline.
Comment: This variant is classified as likely benign based on ACMG/AMP sequence variant interpretation guidelines (Richards et al. 2015 PMID: 25741868, with internal and published modifications).